The following is an entry in ClinVar:

ClinVar aggregate classification (germline): Pathogenic (1 of 4 stars; one submission).

Submission:

GeneDx
Classification: Pathogenic. Last evaluated: 2025-10-10. Review status: criteria provided, single submitter. Criteria: GeneDx Variant Classification Process June 2021. Collection method: clinical testing. Allele origin: germline.
Comment: Reported in one individual from a cohort of patients with autism (PMID: 38958063); Frameshift variant predicted to result in protein truncation or nonsense mediated decay in a gene for which loss of function is a known mechanism of disease; Not observed at significant frequency in large population cohorts (gnomAD); This variant is associated with the following publications: (PMID: 38958063)

NM_006852.6(TLK2):c.78_81del (p.Ser26fs)

Gene: TLK2 (tousled like kinase 2; plus strand). Cytogenetic location: 17q23.2.
Variant type: Deletion.
Coding change: c.78_81del on transcript NM_006852.6 (MANE Select); coding-DNA positions 78 to 81, 4 bases deleted (TAAG; older notation c.78_81delTAAG).
Protein change: p.Ser26fs; shifts the reading frame from serine 26.
Molecular consequence: frameshift variant. On other transcripts: 5 prime UTR variant (2).
Genome position (GRCh38, 1-based): chr17:62,481,203-62,481,206, TAAG deleted; deleting any 4 consecutive bases within chr17:62,481,201-62,481,206 gives the same sequence; the c. name uses the placement nearest the transcript's 3' end. VCF-style (leftmost placement, unchanged base first): chr17-62481200-TAGTA-T. GRCh37 (hg19) VCF-style: chr17-60558561-TAGTA-T.
Other names: c.78_81del, p.Ser26fs (NM_001284333.3, NM_001284363.1, NM_001375270.1 and 3 more transcripts); c.-420_-417del (NM_001330418.3, NM_001375273.1); c.216_219del, p.Ser72fs (NM_001375269.1); short protein forms S26fs, S72fs.
Identifiers: ClinVar variation 3766074 (VCV003766074.2).
Genomic context (GRCh38, chr17:62,481,200, plus strand): 5'-GCATAGCCTGGACCCACGACGGCAGGAATTATTGGAGGCCAGGTTTACTGGAGTAGGTGT[TAGTA>T]AGGTGAGTAAAATGATGATCATGAACACTATTCATATTCTAATTTAAACACATTTTTTAA-3'